The following is an entry in ClinVar:

ClinVar aggregate classification (germline): Uncertain significance (1 of 4 stars; one submission).

Conditions:
Cardiovascular phenotype. Identifiers: MedGen CN230736.

Submission:

Ambry Genetics
Classification: Uncertain significance for Cardiovascular phenotype. Last evaluated: 2021-12-24. Review status: criteria provided, single submitter. Criteria: Ambry Variant Classification Scheme 2023. Collection method: clinical testing. Allele origin: germline.
Comment: The p.A27S variant (also known as c.79G>T), located in coding exon 1 of the LPL gene, results from a G to T substitution at nucleotide position 79. The alanine at codon 27 is replaced by serine, an amino acid with similar properties. This amino acid position is conserved. In addition, this alteration is predicted to be tolerated by in silico analysis. Since supporting evidence is limited at this time, the clinical significance of this alteration remains unclear.

NM_000237.3(LPL):c.79G>T (p.Ala27Ser)

Gene: LPL (lipoprotein lipase; plus strand). Cytogenetic location: 8p21.3.
Variant type: single nucleotide variant.
Coding change: c.79G>T on transcript NM_000237.3 (MANE Select); coding-DNA position 79, G replaced by T.
Protein change: p.Ala27Ser; replaces alanine 27 with serine.
Molecular consequence: missense variant.
Genome position (GRCh38, 1-based): chr8:19,939,519, G>T. VCF-style: chr8-19939519-G-T. GRCh37 (hg19) VCF-style: chr8-19797030-G-T.
Other names: short protein forms A27S.
Identifiers: ClinVar variation 1761581 (VCV001761581.2), dbSNP rs1752693203, ClinGen allele CA370464855.